The following is an entry in ClinVar:

NM_003482.4(KMT2D):c.12052A>G (p.Thr4018Ala)

Gene: KMT2D (lysine methyltransferase 2D; minus strand). Cytogenetic location: 12q13.12.
Variant type: single nucleotide variant.
Coding change: c.12052A>G on transcript NM_003482.4 (MANE Select); coding-DNA position 12052, A replaced by G.
Protein change: p.Thr4018Ala; replaces threonine 4018 with alanine.
Molecular consequence: missense variant.
Genome position (GRCh38, 1-based): chr12:49,032,653, T>C on the plus strand (A>G on the coding strand, the complement: KMT2D is on the minus strand). VCF-style: chr12-49032653-T-C. GRCh37 (hg19) VCF-style: chr12-49426436-T-C.
Other names: short protein forms T4018A.
Identifiers: ClinVar variation 2628664 (VCV002628664.2), dbSNP rs750818792, ClinGen allele CA6546256.

ClinVar aggregate classification (germline): Uncertain significance (1 of 4 stars; one submission).

Conditions:
KMT2D-related disorder. Also called: KMT2D-Related Disorders.

Allele frequency attached by ClinVar (database versions not stated): gnomAD exomes below 0.00001; TOPMed below 0.00001; ExAC 0.00002.
gnomAD v4.1: 1 of 1,613,854 alleles (0.000062%); highest among the groups gnomAD compares: South Asian, 0.0011%; no homozygotes.

Submission:

PreventionGenetics, part of Exact Sciences
Classification: Uncertain significance for KMT2D-related condition. Last evaluated: 2026-02-25. Review status: criteria provided, single submitter. Criteria: ACMG Guidelines, 2015. Collection method: clinical testing. Allele origin: germline.
Comment: The KMT2D c.12052A>G variant is predicted to result in the amino acid substitution p.Thr4018Ala. To our knowledge, this variant has not been reported in the literature. This variant is reported in 0.0033% of alleles in individuals of South Asian descent in gnomAD. At this time, the clinical significance of this variant is uncertain due to the absence of conclusive functional and genetic evidence.